The following is an entry in ClinVar:

ClinVar aggregate classification (germline): Pathogenic (1 of 4 stars; one submission).

Conditions:
Polycystic kidney disease, adult type (PKD1). Also called: Polycystic Kidney Disease 1, Autosomal Dominant; Polycystic kidney disease 1; Polycystic kidney disease 1, severe; POLYCYSTIC KIDNEY DISEASE, ADULT, TYPE I; Polycystic Kidney, Autosomal Dominant; POLYCYSTIC KIDNEY DISEASE 1 WITH OR WITHOUT POLYCYSTIC LIVER DISEASE. Identifiers: MedGen C3149841, MONDO:0008263, OMIM 173900.

Submission:

Victorian Clinical Genetics Services, Murdoch Childrens Research Institute
Classification: Pathogenic for Polycystic kidney disease, adult type. Last evaluated: 2026-07-09. Review status: criteria provided, single submitter. Criteria: ACMG Guidelines, 2015. Collection method: clinical testing. Allele origin: germline. Affected: yes.
Comment: This variant is classified as Pathogenic. Evidence in support of pathogenic classification: This variant is predicted to cause nonsense-mediated decay (NMD) and loss of protein (premature termination codon is located at least 54 nucleotides upstream of the final exon-exon junction); This variant is absent from gnomAD v4. However, a single nucleotide change resulting in the same protein outcome (c.4444C>T) is present in gnomAD (v4: 1 heterozygote(s), 0 homozygote(s)); This variant has strong previous evidence of pathogenicity in unrelated individuals. An alternate variant resulting in the same protein outcome (c.4444C>T) has been classified as pathogenic by clinical laboratories in ClinVar; Other variants comparable to the one identified in this case have very strong previous evidence for pathogenicity (DECIPHER). Additional information: This variant is heterozygous; This gene is associated with autosomal dominant disease. Polycystic kidney disease 1 (MIM#173900) is predominantly caused by monoallelic variants, with rare reports of biallelic variants causing disease (OMIM); Loss of function is a known mechanism of disease in this gene and is associated with polycystic kidney disease 1 (MIM#173900); Inheritance information for this variant is not currently available in this individual.

NM_001009944.3(PKD1):c.4443_4444delinsTT (p.Gln1482Ter)

Gene: PKD1 (polycystin 1, transient receptor potential channel interacting; minus strand). Cytogenetic location: 16p13.3.
Variant type: Indel.
Coding change: c.4443_4444delinsTT on transcript NM_001009944.3 (MANE Select); coding-DNA positions 4443 to 4444, GC replaced by TT.
Protein change: p.Gln1482Ter; replaces glutamine 1482 with a stop codon.
Molecular consequence: nonsense.
Genome position (GRCh38, 1-based): chr16:2,110,723-2,110,724, GC replaced by AA on the plus strand (GC replaced by TT on the coding strand, the reverse complement: PKD1 is on the minus strand). VCF-style: chr16-2110723-GC-AA. GRCh37 (hg19) VCF-style: chr16-2160724-GC-AA.
Other names: c.4443_4444delinsTT, p.Gln1482Ter (NM_000296.4); short protein forms Q1482*.
Identifiers: ClinVar variation 4879620 (VCV004879620.1).
Genomic context (GRCh38, chr16:2,110,723, plus strand): 5'-GATCCCACAGGTAGCTGGCGGGGCGCCCACGGCCCACAGCAGAGAACAGGTACGGCTGCT[GC>AA]AGCTCCAGCCCAAGGGAGCCATTGACCTTGATGCTGGTGACCAGCACGGGCTCCTGCACC-3'